The following is an entry in ClinVar:

NM_006231.4(POLE):c.138del (p.Leu46fs)

Gene: POLE (DNA polymerase epsilon, catalytic subunit; minus strand). Cytogenetic location: 12q24.33.
Variant type: Deletion.
Coding change: c.138del on transcript NM_006231.4 (MANE Select); coding-DNA position 138, one base deleted (G; older notation c.138delG).
Protein change: p.Leu46fs; shifts the reading frame from leucine 46.
Molecular consequence: frameshift variant.
Genome position (GRCh38, 1-based): chr12:132,681,204, C deleted on the plus strand (G on the coding strand, the reverse complement: POLE is on the minus strand). VCF-style (leftmost placement, unchanged base first): chr12-132681203-GC-G. GRCh37 (hg19) VCF-style: chr12-133257789-GC-G.
Other names: c.138delG (NM_006231.3); short protein forms L46fs.
Identifiers: ClinVar variation 548779 (VCV000548779.9), dbSNP rs1555230420, ClinGen allele CA658821754.

ClinVar aggregate classification (germline): Conflicting classifications of pathogenicity. Review status: criteria provided, conflicting classifications (1 of 4 stars). 3 submissions from 3 submitters: Pathogenic (1); Uncertain significance (1). 1 of the submissions does not count toward it. Last evaluated 2025-08-21.

Conditions:
Hereditary cancer-predisposing syndrome. Also called: Hereditary Cancer Syndrome; Hereditary neoplastic syndrome; Tumor predisposition; Neoplastic Syndromes, Hereditary. Identifiers: Orphanet 140162, MedGen C0027672, MeSH D009386, MONDO:0015356.
Colorectal cancer, susceptibility to, 12 (CRCS12). Also called: COLORECTAL CANCER, SUSCEPTIBILITY TO, ON CHROMOSOME 12q24. Identifiers: Orphanet 220460, MedGen C3554460, MONDO:0014038, OMIM 615083.

Allele frequency attached by ClinVar (database versions not stated): gnomAD exomes below 0.00001; gnomAD 0.00003.

Submissions (3):

Ambry Genetics
Classification: Uncertain significance for Hereditary cancer-predisposing syndrome. Last evaluated: 2025-08-21. Review status: criteria provided, single submitter. Criteria: Ambry Variant Classification Scheme 2023. Collection method: clinical testing. Allele origin: germline.
Comment: The c.138delG variant, located in coding exon 2 of the POLE gene, results from a deletion of one nucleotide at nucleotide position 138, causing a translational frameshift with a predicted alternate stop codon (p.L46Ffs*8). This alteration is expected to result in loss of function by premature protein truncation or nonsense-mediated mRNA decay. Although biallelic loss of function of POLE has been associated with autosomal recessive POLE deficiency, haploinsufficiency of POLE has not been established as a mechanism of disease for POLE-related polymerase proofreading-associated polyposis (PPAP) and POLE-related CMMRD-like syndrome. Based on the supporting evidence, this variant is expected to be causative of POLE deficiency when present along with a second pathogenic variant on the other allele; however, its clinical significance for PPAP and POLE-related CMMRD-like syndrome is unclear.

Labcorp Genetics (formerly Invitae), Labcorp
Classification: Pathogenic. Last evaluated: 2023-06-28. Review status: criteria provided, single submitter. Criteria: Invitae Variant Classification Sherloc (09022015). Collection method: clinical testing. Allele origin: germline.
Comment: For these reasons, this variant has been classified as Pathogenic. ClinVar contains an entry for this variant (Variation ID: 548779). This variant has not been reported in the literature in individuals affected with POLE-related conditions. This variant is not present in population databases (gnomAD no frequency). This sequence change creates a premature translational stop signal (p.Leu46Phefs*8) in the POLE gene. It is expected to result in an absent or disrupted protein product. Loss-of-function variants in POLE are known to be pathogenic (PMID: 23230001, 25948378, 30503519).

Counsyl
Classification: Uncertain significance for Colorectal cancer, susceptibility to, 12. Last evaluated: 2017-08-22. Review status: no assertion criteria provided. Collection method: clinical testing. Allele origin: unknown. Not counted in ClinVar's aggregate classification.

Literature cited by the submitters: PubMed 23230001 (cited by Labcorp Genetics (formerly Invitae), Labcorp); PubMed 25948378 (cited by Labcorp Genetics (formerly Invitae), Labcorp); PubMed 30503519 (cited by Labcorp Genetics (formerly Invitae), Labcorp).